The following is an entry in ClinVar:

ClinVar aggregate classification (germline): Conflicting classifications of pathogenicity. Review status: criteria provided, conflicting classifications (1 of 4 stars). 3 submissions from 3 submitters: Uncertain significance (2); Likely benign (1). Last evaluated 2025-12-15.

Conditions:
Fibrous dysplasia of jaw (CRBM). Also called: Cherubism. Identifiers: Orphanet 184, MedGen C0008029, MONDO:0007315, OMIM 118400.
Inborn genetic diseases. Identifiers: MedGen C0950123, MeSH D030342.

Allele frequency attached by ClinVar (database versions not stated): gnomAD 0.00002; TOPMed 0.00002; gnomAD exomes 0.00003 and 0.00004; ExAC 0.00004.
gnomAD v4.1: 53 of 1,573,636 alleles (0.0034%); highest among the groups gnomAD compares: Non-Finnish European, 0.0045%; no homozygotes.

Submissions (3):

Labcorp Genetics (formerly Invitae), Labcorp
Classification: Uncertain significance for Fibrous dysplasia of jaw. Last evaluated: 2025-12-15. Review status: criteria provided, single submitter. Criteria: Invitae Variant Classification Sherloc (09022015). Collection method: clinical testing. Allele origin: germline.
Comment: This sequence change replaces aspartic acid, which is acidic and polar, with glycine, which is neutral and non-polar, at codon 187 of the SH3BP2 protein (p.Asp187Gly). This variant is present in population databases (rs753681184, gnomAD 0.007%). This variant has not been reported in the literature in individuals affected with SH3BP2-related conditions. ClinVar contains an entry for this variant (Variation ID: 1364255). Invitae Evidence Modeling of protein sequence and biophysical properties (such as structural, functional, and spatial information, amino acid conservation, physicochemical variation, residue mobility, and thermodynamic stability) indicates that this missense variant is not expected to disrupt SH3BP2 protein function with a negative predictive value of 80%. In summary, the available evidence is currently insufficient to determine the role of this variant in disease. Therefore, it has been classified as a Variant of Uncertain Significance.

Ambry Genetics
Classification: Uncertain significance for Inborn genetic diseases. Last evaluated: 2025-06-07. Review status: criteria provided, single submitter. Criteria: Ambry Variant Classification Scheme 2023. Collection method: clinical testing. Allele origin: germline.

Laboratory of Genetics, Children's Clinical University Hospital Latvia
Classification: Likely benign. Last evaluated: 2025-02-16. Review status: criteria provided, single submitter. Criteria: ACMG Guidelines, 2015. Collection method: clinical testing. Allele origin: germline. Affected: yes.

NM_001122681.2(SH3BP2):c.560A>G (p.Asp187Gly)

Gene: SH3BP2 (SH3 domain binding protein 2; plus strand). Cytogenetic location: 4p16.3.
Variant type: single nucleotide variant.
Coding change: c.560A>G on transcript NM_001122681.2 (MANE Select); coding-DNA position 560, A replaced by G.
Protein change: p.Asp187Gly; replaces aspartic acid 187 with glycine.
Molecular consequence: missense variant.
Genome position (GRCh38, 1-based): chr4:2,827,648, A>G. VCF-style: chr4-2827648-A-G. GRCh37 (hg19) VCF-style: chr4-2829375-A-G.
Other names: c.644A>G, p.Asp215Gly (NM_001145855.2); c.731A>G, p.Asp244Gly (NM_001145856.2); c.560A>G, p.Asp187Gly (NM_003023.4); short protein forms D187G, D215G, D244G.
Identifiers: ClinVar variation 1364255 (VCV001364255.8), dbSNP rs753681184, ClinGen allele CA2819238.